The following is an entry in ClinVar:

NM_003410.4(ZFX):c.1066A>G (p.Met356Val)

Gene: ZFX (zinc finger protein X-linked; plus strand). Cytogenetic location: Xp22.11.
Variant type: single nucleotide variant.
Coding change: c.1066A>G on transcript NM_003410.4 (MANE Select); coding-DNA position 1066, A replaced by G.
Protein change: p.Met356Val; replaces methionine 356 with valine.
Molecular consequence: missense variant.
Genome position (GRCh38, 1-based): chrX:24,208,343, A>G. VCF-style: chrX-24208343-A-G. GRCh37 (hg19) VCF-style: chrX-24226460-A-G.
Other names: c.1066A>G, p.Met356Val (NM_001178084.2, NM_001178085.1, NM_001178095.2); c.379A>G, p.Met127Val (NM_001178086.2); c.1183A>G, p.Met395Val (NM_001330327.2); short protein forms M127V, M395V, M356V.
Identifiers: ClinVar variation 3984836 (VCV003984836.2).

ClinVar aggregate classification (germline): Uncertain significance. Review status: criteria provided, multiple submitters, no conflicts (2 of 4 stars). 2 submissions from 2 submitters: Uncertain significance (2). Last evaluated 2026-04-10.

Submissions (2):

GeneDx
Classification: Uncertain significance. Last evaluated: 2026-04-10. Review status: criteria provided, single submitter. Criteria: GeneDx Variant Classification Process June 2021. Collection method: clinical testing. Allele origin: germline.
Comment: Not observed at significant frequency in large population cohorts (gnomAD); In silico analysis suggests that this missense variant does not alter protein structure/function; Has not been previously published as pathogenic or benign to our knowledge

Ambry Genetics
Classification: Uncertain significance. Last evaluated: 2025-05-18. Review status: criteria provided, single submitter. Criteria: Ambry Variant Classification Scheme 2023. Collection method: clinical testing. Allele origin: germline.